The following is an entry in ClinVar:

NM_022051.3(EGLN1):c.673G>A (p.Glu225Lys)

Gene: EGLN1 (egl-9 family hypoxia inducible factor 1; minus strand). Cytogenetic location: 1q42.2.
Variant type: single nucleotide variant.
Coding change: c.673G>A on transcript NM_022051.3 (MANE Select); coding-DNA position 673, G replaced by A.
Protein change: p.Glu225Lys; replaces glutamic acid 225 with lysine.
Molecular consequence: missense variant.
Genome position (GRCh38, 1-based): chr1:231,421,216, C>T on the plus strand (G>A on the coding strand, the complement: EGLN1 is on the minus strand). VCF-style: chr1-231421216-C-T. GRCh37 (hg19) VCF-style: chr1-231556962-C-T.
Other names: p.Glu225Lys; c.673G>A, p.Glu225Lys (NM_001377260.1, NM_001377261.1); short protein forms E225K.
Identifiers: ClinVar variation 3274799 (VCV003274799.2).

ClinVar aggregate classification (germline): Uncertain significance. Review status: criteria provided, multiple submitters, no conflicts (2 of 4 stars). 2 submissions from 2 submitters: Uncertain significance (2). Last evaluated 2025-06-10.

gnomAD v4.1: 1 of 1,614,024 alleles (0.000062%); highest among the groups gnomAD compares: Non-Finnish European, 0.000085%; no homozygotes.

Submissions (2):

Mayo Clinic Laboratories, Mayo Clinic
Classification: Uncertain significance. Last evaluated: 2025-06-10. Review status: criteria provided, single submitter. Criteria: ACMG Guidelines, 2015. Collection method: clinical testing. Allele origin: germline. Observed: 1 variant allele.
Comment: BP4_moderate, PM2_supporting

Ambry Genetics
Classification: Uncertain significance. Last evaluated: 2024-06-14. Review status: criteria provided, single submitter. Criteria: Ambry Variant Classification Scheme 2023. Collection method: clinical testing. Allele origin: germline.
Comment: The p.E225K variant (also known as c.673G>A), located in coding exon 1 of the EGLN1 gene, results from a G to A substitution at nucleotide position 673. The glutamic acid at codon 225 is replaced by lysine, an amino acid with similar properties. This amino acid position is conserved. In addition, this alteration is predicted to be tolerated by in silico analysis. Based on the available evidence, the clinical significance of this variant remains unclear.